The following is an entry in ClinVar:

NM_000492.4(CFTR):c.2659A>C (p.Thr887Pro)

Gene: CFTR (CF transmembrane conductance regulator; plus strand). Cytogenetic location: 7q31.2.
Variant type: single nucleotide variant.
Coding change: c.2659A>C on transcript NM_000492.4 (MANE Select); coding-DNA position 2659, A replaced by C.
Protein change: p.Thr887Pro; replaces threonine 887 with proline.
Molecular consequence: missense variant.
Genome position (GRCh38, 1-based): chr7:117,603,533, A>C. VCF-style: chr7-117603533-A-C. GRCh37 (hg19) VCF-style: chr7-117243587-A-C.
Other names: short protein forms T887P.
Identifiers: ClinVar variation 288458 (VCV000288458.15), dbSNP rs770359007, ClinGen allele CA4451266.

ClinVar aggregate classification (germline): Uncertain significance. Review status: criteria provided, multiple submitters, no conflicts (2 of 4 stars). 7 submissions from 7 submitters: Uncertain significance (6). 1 of the submissions does not count toward it. Last evaluated 2025-03-20.

Conditions:
CFTR-related disorder (CFTR-RD). Also called: CFTR-related disorders; CFTR-related condition. Identifiers: MedGen C5924204, MONDO:7770004.
Cystic fibrosis (CF). Also called: MUCOVISCIDOSIS. Identifiers: Orphanet 586, MedGen C0010674, MONDO:0009061, OMIM 219700. Disease mechanism: loss of function.

Allele frequency attached by ClinVar (database versions not stated): gnomAD exomes 0.00001 and 0.00003; ExAC 0.00001; TOPMed 0.00004.
gnomAD v4.1: 8 of 1,613,856 alleles (0.0005%); highest among the groups gnomAD compares: Admixed American, 0.012%; no homozygotes.

Submissions (7):

GeneDx
Classification: Uncertain significance. Last evaluated: 2025-03-20. Review status: criteria provided, single submitter. Criteria: GeneDx Variant Classification Process June 2021. Collection method: clinical testing. Allele origin: germline. Affected: yes.
Comment: Identified with a pathogenic CFTR variant, phase unknown, in a patient with CFTR-related metabolic syndrome and negative sweat chloride following positive NBS for cystic fibrosis (PMID: 23810505); In silico analysis indicates that this missense variant does not alter protein structure/function; This variant is associated with the following publications: (PMID: 37628659, 23810505)

Ambry Genetics
Classification: Uncertain significance for Cystic fibrosis. Last evaluated: 2024-05-27. Review status: criteria provided, single submitter. Criteria: Ambry Variant Classification Scheme 2023. Collection method: clinical testing. Allele origin: germline.
Comment: The p.T887P variant (also known as c.2659A>C), located in coding exon 17 of the CFTR gene, results from an A to C substitution at nucleotide position 2659. The threonine at codon 887 is replaced by proline, an amino acid with highly similar properties. This amino acid position is not well conserved in available vertebrate species. In addition, the in silico prediction for this alteration is inconclusive. Based on the available evidence, the clinical significance of this variant remains unclear.

Revvity Omics, Revvity
Classification: Uncertain significance. Last evaluated: 2023-04-12. Review status: criteria provided, single submitter. Criteria: ACMG Guidelines, 2015. Collection method: clinical testing. Allele origin: germline.

Labcorp Genetics (formerly Invitae), Labcorp
Classification: Uncertain significance for Cystic fibrosis. Last evaluated: 2022-06-15. Review status: criteria provided, single submitter. Criteria: Invitae Variant Classification Sherloc (09022015). Collection method: clinical testing. Allele origin: germline.
Comment: This sequence change replaces threonine, which is neutral and polar, with proline, which is neutral and non-polar, at codon 887 of the CFTR protein (p.Thr887Pro). This variant is present in population databases (rs770359007, gnomAD 0.02%). This missense change has been observed in individual(s) with CFTR-related metabolic syndrome (PMID: 23810505). ClinVar contains an entry for this variant (Variation ID: 288458). Algorithms developed to predict the effect of missense changes on protein structure and function (SIFT, PolyPhen-2, Align-GVGD) all suggest that this variant is likely to be tolerated. In summary, the available evidence is currently insufficient to determine the role of this variant in disease. Therefore, it has been classified as a Variant of Uncertain Significance.

Genome-Nilou Lab
Classification: Uncertain significance for Cystic fibrosis. Last evaluated: 2021-09-05. Review status: criteria provided, single submitter. Criteria: ACMG Guidelines, 2015. Collection method: clinical testing. Allele origin: germline. Affected: no.

Eurofins Ntd Llc (ga)
Classification: Uncertain significance. Last evaluated: 2016-06-03. Review status: criteria provided, single submitter. Criteria: EGL Classification Definitions 2015. Collection method: clinical testing. Allele origin: germline. Observed: 1 variant allele, 1 heterozygote.

Natera, Inc.
Classification: Uncertain significance for CFTR-related disorders. Last evaluated: 2018-11-04. Review status: no assertion criteria provided. Collection method: clinical testing. Allele origin: germline. Not counted in ClinVar's aggregate classification.

Literature cited by the submitters: PubMed 23810505 (cited by Labcorp Genetics (formerly Invitae), Labcorp).